The following is an entry in ClinVar:

NM_014225.6(PPP2R1A):c.202G>A (p.Ala68Thr)

Gene: PPP2R1A (protein phosphatase 2 scaffold subunit Aalpha; plus strand). Cytogenetic location: 19q13.41.
Variant type: single nucleotide variant.
Coding change: c.202G>A on transcript NM_014225.6 (MANE Select); coding-DNA position 202, G replaced by A.
Protein change: p.Ala68Thr; replaces alanine 68 with threonine.
Molecular consequence: missense variant. On other transcripts: 5 prime UTR variant (1).
Genome position (GRCh38, 1-based): chr19:52,205,995, G>A. VCF-style: chr19-52205995-G-A. GRCh37 (hg19) VCF-style: chr19-52709248-G-A.
Other names: c.-336G>A (NM_001363656.2); short protein forms A68T.
Identifiers: ClinVar variation 3901717 (VCV003901717.1).

ClinVar aggregate classification (germline): Uncertain significance (1 of 4 stars; one submission).

gnomAD v4.1: 1 of 1,614,110 alleles (0.000062%); highest among the groups gnomAD compares: Non-Finnish European, 0.000085%; no homozygotes.

Submission:

GeneDx
Classification: Uncertain significance. Last evaluated: 2024-12-05. Review status: criteria provided, single submitter. Criteria: GeneDx Variant Classification Process June 2021. Collection method: clinical testing. Allele origin: germline. Affected: yes.
Comment: Not observed at significant frequency in large population cohorts (gnomAD); In silico analysis supports that this missense variant has a deleterious effect on protein structure/function; Has not been previously published as pathogenic or benign to our knowledge